The following is an entry in ClinVar:

NM_001128840.3(CACNA1D):c.3628A>G (p.Met1210Val)

Gene: CACNA1D (calcium voltage-gated channel subunit alpha1 D; plus strand). Cytogenetic location: 3p21.1.
Variant type: single nucleotide variant.
Coding change: c.3628A>G on transcript NM_001128840.3 (MANE Select); coding-DNA position 3628, A replaced by G.
Protein change: p.Met1210Val; replaces methionine 1210 with valine.
Molecular consequence: missense variant.
Genome position (GRCh38, 1-based): chr3:53,751,860, A>G. VCF-style: chr3-53751860-A-G. GRCh37 (hg19) VCF-style: chr3-53785887-A-G.
Other names: c.3688A>G, p.Met1230Val (NM_000720.4); c.3628A>G, p.Met1210Val (NM_001128839.3); short protein forms M1230V, M1210V.
Identifiers: ClinVar variation 2182040 (VCV002182040.4), dbSNP rs768096420, ClinGen allele CA2454625.

ClinVar aggregate classification (germline): Uncertain significance (1 of 4 stars; one submission).

Allele frequency attached by ClinVar (database versions not stated): TOPMed 0.00001; ExAC 0.00002; gnomAD 0.00002; gnomAD exomes 0.00006.

Submission:

Labcorp Genetics (formerly Invitae), Labcorp
Classification: Uncertain significance. Last evaluated: 2025-09-29. Review status: criteria provided, single submitter. Criteria: Invitae Variant Classification Sherloc (09022015). Collection method: clinical testing. Allele origin: germline.
Comment: This sequence change replaces methionine, which is neutral and non-polar, with valine, which is neutral and non-polar, at codon 1230 of the CACNA1D protein (p.Met1230Val). This variant is present in population databases (rs768096420, gnomAD 0.003%). This variant has not been reported in the literature in individuals affected with CACNA1D-related conditions. ClinVar contains an entry for this variant (Variation ID: 2182040). Invitae Evidence Modeling of protein sequence and biophysical properties (such as structural, functional, and spatial information, amino acid conservation, physicochemical variation, residue mobility, and thermodynamic stability) indicates that this missense variant is not expected to disrupt CACNA1D protein function with a negative predictive value of 80%. In summary, the available evidence is currently insufficient to determine the role of this variant in disease. Therefore, it has been classified as a Variant of Uncertain Significance.